The following is an entry in ClinVar:

ClinVar aggregate classification (germline): Uncertain significance. Review status: criteria provided, multiple submitters, no conflicts (2 of 4 stars). 2 submissions from 2 submitters: Uncertain significance (2). Last evaluated 2023-10-02.

Submissions (2):

Labcorp Genetics (formerly Invitae), Labcorp
Classification: Uncertain significance. Last evaluated: 2023-10-02. Review status: criteria provided, single submitter. Criteria: Invitae Variant Classification Sherloc (09022015). Collection method: clinical testing. Allele origin: germline.
Comment: This sequence change replaces glycine, which is neutral and non-polar, with cysteine, which is neutral and slightly polar, at codon 267 of the ABCA4 protein (p.Gly267Cys). This variant is not present in population databases (gnomAD no frequency). This variant has not been reported in the literature in individuals affected with ABCA4-related conditions. ClinVar contains an entry for this variant (Variation ID: 2121190). Advanced modeling of protein sequence and biophysical properties (such as structural, functional, and spatial information, amino acid conservation, physicochemical variation, residue mobility, and thermodynamic stability) performed at Invitae indicates that this missense variant is expected to disrupt ABCA4 protein function. In summary, the available evidence is currently insufficient to determine the role of this variant in disease. Therefore, it has been classified as a Variant of Uncertain Significance.

Blueprint Genetics
Classification: Uncertain significance. Last evaluated: 2019-12-18. Review status: criteria provided, single submitter. Criteria: ACMG Guidelines, 2015. Collection method: clinical testing. Allele origin: germline.

NM_000350.3(ABCA4):c.799G>T (p.Gly267Cys)

Gene: ABCA4 (ATP binding cassette subfamily A member 4; minus strand). Cytogenetic location: 1p22.1.
Variant type: single nucleotide variant.
Coding change: c.799G>T on transcript NM_000350.3 (MANE Select); coding-DNA position 799, G replaced by T.
Protein change: p.Gly267Cys; replaces glycine 267 with cysteine.
Molecular consequence: missense variant.
Genome position (GRCh38, 1-based): chr1:94,083,411, C>A on the plus strand (G>T on the coding strand, the complement: ABCA4 is on the minus strand). VCF-style: chr1-94083411-C-A. GRCh37 (hg19) VCF-style: chr1-94548967-C-A.
Other names: c.799G>T, p.Gly267Cys (NM_001425324.1); short protein forms G267C.
Identifiers: ClinVar variation 2121190 (VCV002121190.5), dbSNP rs1384022583, ClinGen allele CA341285134.